The following is an entry in ClinVar:

ClinVar aggregate classification (germline): Pathogenic (1 of 4 stars; one submission).

gnomAD v4.1: 1 of 1,564,380 alleles (0.000064%); highest among the groups gnomAD compares: Non-Finnish European, 0.000088%; no homozygotes.

Submission:

Labcorp Genetics (formerly Invitae), Labcorp
Classification: Pathogenic. Last evaluated: 2021-08-18. Review status: criteria provided, single submitter. Criteria: Invitae Variant Classification Sherloc (09022015). Collection method: clinical testing. Allele origin: germline.
Comment: For these reasons, this variant has been classified as Pathogenic. This variant has not been reported in the literature in individuals affected with C2CD3-related conditions. This variant is not present in population databases (ExAC no frequency). This sequence change creates a premature translational stop signal (p.Lys653*) in the C2CD3 gene. It is expected to result in an absent or disrupted protein product. Loss-of-function variants in C2CD3 are known to be pathogenic (PMID: 24997988, 26477546).

Literature cited by the submitters: PubMed 24997988; PubMed 26477546.

NM_001286577.2(C2CD3):c.1957A>T (p.Lys653Ter)

Gene: C2CD3 (C2 domain containing 3 centriole elongation regulator; minus strand). Cytogenetic location: 11q13.4.
Variant type: single nucleotide variant.
Coding change: c.1957A>T on transcript NM_001286577.2 (MANE Select); coding-DNA position 1957, A replaced by T.
Protein change: p.Lys653Ter; replaces lysine 653 with a stop codon.
Molecular consequence: nonsense.
Genome position (GRCh38, 1-based): chr11:74,109,039, T>A on the plus strand (A>T on the coding strand, the complement: C2CD3 is on the minus strand). VCF-style: chr11-74109039-T-A. GRCh37 (hg19) VCF-style: chr11-73820084-T-A.
Other names: c.1957A>T, p.Lys653Ter (NM_015531.6); short protein forms K653*.
Identifiers: ClinVar variation 1451467 (VCV001451467.6), dbSNP rs1956643860, ClinGen allele CA381835536.
Genomic context (GRCh38, chr11:74,109,039, plus strand): 5'-ATCCTCCAAATCCCTAGTGTGAAGGTAAGGCAAAGGCCAAAATCACTCAAAGTACCTTTT[T>A]CTGTGGAGTTTTCTTTACATAAATTTGGAAAGTGAGGTTGGAATTCCACCAGTGCTCTAT-3'